The following is an entry in ClinVar:

NM_020964.3(EPG5):c.4952C>T (p.Thr1651Met)

Gene: EPG5 (ectopic P-granules 5 autophagy tethering factor; minus strand). Cytogenetic location: 18q12.3.
Variant type: single nucleotide variant.
Coding change: c.4952C>T on transcript NM_020964.3 (MANE Select); coding-DNA position 4952, C replaced by T.
Protein change: p.Thr1651Met; replaces threonine 1651 with methionine.
Molecular consequence: missense variant.
Genome position (GRCh38, 1-based): chr18:45,889,798, G>A on the plus strand (C>T on the coding strand, the complement: EPG5 is on the minus strand). VCF-style: chr18-45889798-G-A. GRCh37 (hg19) VCF-style: chr18-43469763-G-A.
Other names: c.4952C>T, p.Thr1651Met (NM_001410858.1, NM_001410859.1); short protein forms T1651M.
Identifiers: ClinVar variation 2991652 (VCV002991652.3), dbSNP rs532605075, ClinGen allele CA8948718.
Genomic context (GRCh38, chr18:45,889,798, plus strand): 5'-TATGATTACTATTCATGATAACAAAACAGTATTTCAAATTATAATGCCTGCAAAACTTAC[G>A]TGATCAAGTTTTCTGCATGTACAGCAGCTTCCACAATATTAAGTGATGGTGGTTTAGCAG-3'
Protein context (NP_066015.2, residues 1641-1661): EAAVHAENLI[Thr1651Met]ALVNAYKLQP

ClinVar aggregate classification (germline): Uncertain significance (1 of 4 stars; one submission).

Conditions:
Vici syndrome (VICIS). Identifiers: Orphanet 1493, MedGen C1855772, MONDO:0009452, OMIM 242840.

Allele frequency attached by ClinVar (database versions not stated): ExAC 0.00001; gnomAD 0.00001; TOPMed 0.00001; 1000 Genomes Project 0.00020; 1000 Genomes Project 30x 0.00031.
gnomAD v4.1: 8 of 1,597,382 alleles (0.0005%); highest among the groups gnomAD compares: African/African-American, 0.0013%; no homozygotes.

Submission:

Labcorp Genetics (formerly Invitae), Labcorp
Classification: Uncertain significance for Vici syndrome. Last evaluated: 2023-02-13. Review status: criteria provided, single submitter. Criteria: Invitae Variant Classification Sherloc (09022015). Collection method: clinical testing. Allele origin: germline.
Comment: This sequence change replaces threonine, which is neutral and polar, with methionine, which is neutral and non-polar, at codon 1651 of the EPG5 protein (p.Thr1651Met). In summary, the available evidence is currently insufficient to determine the role of this variant in disease. Therefore, it has been classified as a Variant of Uncertain Significance. Algorithms developed to predict the effect of missense changes on protein structure and function are either unavailable or do not agree on the potential impact of this missense change (SIFT: "Deleterious"; PolyPhen-2: "Probably Damaging"; Align-GVGD: "Class C0"). This variant has not been reported in the literature in individuals affected with EPG5-related conditions. This variant is present in population databases (rs532605075, gnomAD 0.007%).